The following is an entry in ClinVar:

NM_020923.3(ZDBF2):c.5771A>C (p.Glu1924Ala)

Gene: ZDBF2 (zinc finger DBF-type containing 2; plus strand). Cytogenetic location: 2q33.3.
Variant type: single nucleotide variant.
Coding change: c.5771A>C on transcript NM_020923.3 (MANE Select); coding-DNA position 5771, A replaced by C.
Protein change: p.Glu1924Ala; replaces glutamic acid 1924 with alanine.
Molecular consequence: missense variant.
Genome position (GRCh38, 1-based): chr2:206,310,299, A>C. VCF-style: chr2-206310299-A-C. GRCh37 (hg19) VCF-style: chr2-207175023-A-C.
Other names: c.5765A>C, p.Glu1922Ala (NM_001285549.2); c.5771A>C, p.Glu1924Ala (NM_001369654.1); short protein forms E1924A, E1922A.
Identifiers: ClinVar variation 2045714 (VCV002045714.26), dbSNP rs150375195, ClinGen allele CA2072525.

ClinVar aggregate classification (germline): Benign/Likely benign. Review status: criteria provided, multiple submitters, no conflicts (2 of 4 stars). 2 submissions from 2 submitters: Benign (1); Likely benign (1). Last evaluated 2025-10-02.

Allele frequency attached by ClinVar (database versions not stated): 1000 Genomes Project 0.00339; 1000 Genomes Project 30x 0.00344; TOPMed 0.00419; ESP Exome Variant Server 0.00447; gnomAD 0.00555; ExAC 0.00569; gnomAD exomes 0.00687.
gnomAD v4.1: 10,824 of 1,613,978 alleles (0.67%); highest among the groups gnomAD compares: Non-Finnish European, 0.73%; 35 homozygotes.

Submissions (2):

Labcorp Genetics (formerly Invitae), Labcorp
Classification: Benign. Last evaluated: 2025-10-02. Review status: criteria provided, single submitter. Criteria: Invitae Variant Classification Sherloc (09022015). Collection method: clinical testing. Allele origin: germline.

CeGaT Center for Human Genetics Tuebingen
Classification: Likely benign. Last evaluated: 2024-02-01. Review status: criteria provided, single submitter. Criteria: CeGaT Center For Human Genetics Tuebingen Variant Classification Criteria Version 2. Collection method: clinical testing. Allele origin: germline. Affected: yes. Observed: 1 variant allele.
Comment: ZDBF2: BP4, BS2